The following is an entry in ClinVar:

NM_004855.5(PIGB):c.1124-16_1138dup

Gene: PIGB (phosphatidylinositol glycan anchor biosynthesis class B; plus strand). Cytogenetic location: 15q21.3.
Variant type: Duplication.
Coding change: c.1124-16_1138dup on transcript NM_004855.5 (MANE Select); 16 bases into the intron before coding-DNA position 1124 through coding-DNA position 1138, 31 bases duplicated.
Molecular consequence: splice acceptor variant.
Genome position (GRCh38, 1-based): chr15:55,350,683-55,350,713, 31 bases duplicated. GRCh37 (hg19): chr15:55,642,881-55,642,911.
Identifiers: ClinVar variation 2124800 (VCV002124800.4), dbSNP rs2543143818, ClinGen allele CA970065270.

ClinVar aggregate classification (germline): Uncertain significance (1 of 4 stars; one submission).

Submission:

Labcorp Genetics (formerly Invitae), Labcorp
Classification: Uncertain significance. Last evaluated: 2022-10-17. Review status: criteria provided, single submitter. Criteria: Invitae Variant Classification Sherloc (09022015). Collection method: clinical testing. Allele origin: germline.
Comment: In summary, the available evidence is currently insufficient to determine the role of this variant in disease. Therefore, it has been classified as a Variant of Uncertain Significance. Algorithms developed to predict the effect of sequence changes on RNA splicing suggest that this variant may create or strengthen a splice site. This variant is also known as p.His380Argfs*44. This variant has not been reported in the literature in individuals affected with PIGB-related conditions. This variant is not present in population databases (gnomAD no frequency). This sequence change falls in intron 9 of the PIGB gene. It does not directly change the encoded amino acid sequence of the PIGB protein.